The following is an entry in ClinVar:

ClinVar aggregate classification (germline): Pathogenic (1 of 4 stars; one submission).

Conditions:
Autosomal recessive limb-girdle muscular dystrophy type 2L (LGMDR12). Also called: Limb-girdle muscular dystrophy, type 2L; MUSCULAR DYSTROPHY, LIMB-GIRDLE, AUTOSOMAL RECESSIVE 12; Limb-Girdle Muscular Dystrophy R12 Anoctamin-5-Related (LGMD-R12). Identifiers: Orphanet 206549, MedGen C1969785, MONDO:0012652, OMIM 611307.
Gnathodiaphyseal dysplasia (GDD). Also called: GNATHODIAPHYSEAL SCLEROSIS; OSTEOGENESIS IMPERFECTA WITH UNUSUAL SKELETAL LESIONS. Identifiers: Orphanet 53697, MedGen C1833736, MONDO:0008151, OMIM 166260.

Allele frequency attached by ClinVar (database versions not stated): gnomAD exomes below 0.00001.
gnomAD v4.1: 1 of 1,613,864 alleles (0.000062%); highest among the groups gnomAD compares: Non-Finnish European, 0.000085%; no homozygotes.

Submission:

Labcorp Genetics (formerly Invitae), Labcorp
Classification: Pathogenic for Autosomal recessive limb-girdle muscular dystrophy type 2L; Gnathodiaphyseal dysplasia. Last evaluated: 2025-08-18. Review status: criteria provided, single submitter. Criteria: Invitae Variant Classification Sherloc (09022015). Collection method: clinical testing. Allele origin: germline.
Comment: This sequence change creates a premature translational stop signal (p.Tyr552*) in the ANO5 gene. It is expected to result in an absent or disrupted protein product. Loss-of-function variants in ANO5 are known to be pathogenic (PMID: 21186264, 23606453, 25891276, 30919934). This variant is not present in population databases (gnomAD no frequency). This variant has not been reported in the literature in individuals affected with ANO5-related conditions. ClinVar contains an entry for this variant (Variation ID: 1358563). Algorithms developed to predict the effect of sequence changes on RNA splicing suggest that this variant may disrupt the consensus splice site. For these reasons, this variant has been classified as Pathogenic.

Literature cited by the submitters: PubMed 21186264; PubMed 23606453; PubMed 25891276; PubMed 30919934.

NM_213599.3(ANO5):c.1656T>G (p.Tyr552Ter)

Gene: ANO5 (anoctamin 5; plus strand). Cytogenetic location: 11p14.3.
Variant type: single nucleotide variant.
Coding change: c.1656T>G on transcript NM_213599.3 (MANE Select); coding-DNA position 1656, T replaced by G.
Protein change: p.Tyr552Ter; replaces tyrosine 552 with a stop codon.
Molecular consequence: nonsense.
Genome position (GRCh38, 1-based): chr11:22,262,154, T>G. VCF-style: chr11-22262154-T-G. GRCh37 (hg19) VCF-style: chr11-22283700-T-G.
Other names: c.1653T>G, p.Tyr551Ter (NM_001142649.2); short protein forms Y552*, Y551*.
Identifiers: ClinVar variation 1358563 (VCV001358563.6), dbSNP rs2133747497, ClinGen allele CA379922524.